The following is an entry in ClinVar:

ClinVar aggregate classification (germline): Conflicting classifications of pathogenicity. Review status: criteria provided, conflicting classifications (1 of 4 stars). 4 submissions from 4 submitters: Uncertain significance (3); Likely benign (1). Last evaluated 2025-12-28.

Allele frequency attached by ClinVar (database versions not stated): ExAC 0.00004; gnomAD 0.00011; TOPMed 0.00002.
gnomAD v4.1: 52 of 1,613,040 alleles (0.0032%); highest among the groups gnomAD compares: Non-Finnish European, 0.0039%; no homozygotes.

Submissions (4):

Labcorp Genetics (formerly Invitae), Labcorp
Classification: Uncertain significance. Last evaluated: 2025-12-28. Review status: criteria provided, single submitter. Criteria: Invitae Variant Classification Sherloc (09022015). Collection method: clinical testing. Allele origin: germline.
Comment: This sequence change replaces aspartic acid, which is acidic and polar, with glutamic acid, which is acidic and polar, at codon 79 of the MYLK3 protein (p.Asp79Glu). This variant is present in population databases (rs758287896, gnomAD 0.02%). This variant has not been reported in the literature in individuals affected with MYLK3-related conditions. ClinVar contains an entry for this variant (Variation ID: 2262717). An algorithm developed to predict the effect of missense changes on protein structure and function (PolyPhen-2) suggests that this variant is likely to be tolerated. In summary, the available evidence is currently insufficient to determine the role of this variant in disease. Therefore, it has been classified as a Variant of Uncertain Significance.

Mayo Clinic Laboratories, Mayo Clinic
Classification: Uncertain significance. Last evaluated: 2025-10-26. Review status: criteria provided, single submitter. Criteria: ACMG Guidelines, 2015. Collection method: clinical testing. Allele origin: germline. Observed: 1 variant allele.
Comment: BP4_moderate

Laboratory of Genetics, Children's Clinical University Hospital Latvia
Classification: Likely benign. Last evaluated: 2025-02-16. Review status: criteria provided, single submitter. Criteria: ACMG Guidelines, 2015. Collection method: clinical testing. Allele origin: germline. Affected: yes.

Ambry Genetics
Classification: Uncertain significance. Last evaluated: 2021-11-30. Review status: criteria provided, single submitter. Criteria: Ambry Variant Classification Scheme 2023. Collection method: clinical testing. Allele origin: germline.

NM_182493.3(MYLK3):c.237T>G (p.Asp79Glu)

Gene: MYLK3 (myosin light chain kinase 3; minus strand). Cytogenetic location: 16q11.2.
Variant type: single nucleotide variant.
Coding change: c.237T>G on transcript NM_182493.3 (MANE Select); coding-DNA position 237, T replaced by G.
Protein change: p.Asp79Glu; replaces aspartic acid 79 with glutamic acid.
Molecular consequence: missense variant. On other transcripts: intron variant (1).
Genome position (GRCh38, 1-based): chr16:46,747,957, A>C on the plus strand (T>G on the coding strand, the complement: MYLK3 is on the minus strand). VCF-style: chr16-46747957-A-C. GRCh37 (hg19) VCF-style: chr16-46781869-A-C.
Other names: p.Asp79Glu; c.-113-7810T>G (NM_001308301.1); short protein forms D79E.
Identifiers: ClinVar variation 2262717 (VCV002262717.7), dbSNP rs758287896, ClinGen allele CA8038293.
Genomic context (GRCh38, chr16:46,747,957, plus strand): 5'-GGCCCTCACCAGCTCCAGGACCTCGGGCCACCCAGCCTGGGTGTCAATGTGGGGAACCCC[A>C]TCAGCCCCGCCCGGGCCCGGTGCCCGGGAGGCCTCCAGCCTGTGCAGGCCCCGCTCCAGG-3'
Protein context (NP_872299.2, residues 69-89): ASRAPGPGGA[Asp79Glu]GVPHIDTQAG